The following is an entry in ClinVar:

NM_000487.6(ARSA):c.61del (p.Arg21fs)

Gene: ARSA (arylsulfatase A; minus strand). Cytogenetic location: 22q13.33.
Variant type: Deletion.
Coding change: c.61del on transcript NM_000487.6 (MANE Select); coding-DNA position 61, one base deleted (C; older notation c.61delC).
Protein change: p.Arg21fs; shifts the reading frame from arginine 21.
Molecular consequence: frameshift variant. On other transcripts: intron variant (2).
Genome position (GRCh38, 1-based): chr22:50,627,719, G deleted on the plus strand (C on the coding strand, the reverse complement: ARSA is on the minus strand); the first of 3 consecutive G bases (chr22:50,627,719-50,627,721); deleting any one gives the same sequence. VCF-style (leftmost placement, unchanged base first): chr22-50627718-CG-C. GRCh37 (hg19) VCF-style: chr22-51066146-CG-C.
Other names: c.61del (NM_000487.5); c.61del, p.Arg21fs (NM_001085427.3, NM_001085425.3, NM_001085426.3); c.-35+272del (NM_001362782.2); c.-35+227del (NM_001085428.3); short protein forms R21fs.
Identifiers: ClinVar variation 2820696 (VCV002820696.4), dbSNP rs1569082621, ClinGen allele CA914705053.

ClinVar aggregate classification (germline): Pathogenic/Likely pathogenic. Review status: criteria provided, multiple submitters, no conflicts (2 of 4 stars). 2 submissions from 2 submitters: Pathogenic (1); Likely pathogenic (1). Last evaluated 2025-07-17.

Conditions:
Metachromatic leukodystrophy (MLD). Also called: SULFATIDE LIPIDOSIS; CEREBROSIDE SULFATASE DEFICIENCY; ARSA DEFICIENCY; METACHROMATIC LEUKOENCEPHALOPATHY; Cerebral sclerosis diffuse metachromatic form; Arylsulfatase A Deficiency. Identifiers: Orphanet 512, MedGen C0023522, MONDO:0018868, OMIM 250100.

Submissions (2):

Natera, Inc.
Classification: Likely pathogenic for Metachromatic leukodystrophy. Last evaluated: 2025-07-17. Review status: criteria provided, single submitter. Criteria: Natera Variant Classification Schema (03/2026). Collection method: clinical testing. Allele origin: germline.
Comment: The c.61del variant in ARSA is a frameshift variant predicted to shift the reading frame beginning at codon 21 and leads to a stop codon 7 codons downstream. This variant is expected to result in nonsense mediated decay, truncation, or a dysfunctional protein product. This variant is rare in the general population with a frequency below the threshold expected for the associated phenotype(s). Given the available evidence, this variant is classified as Likely Pathogenic.

Labcorp Genetics (formerly Invitae), Labcorp
Classification: Pathogenic for Metachromatic leukodystrophy. Last evaluated: 2023-09-08. Review status: criteria provided, single submitter. Criteria: Invitae Variant Classification Sherloc (09022015). Collection method: clinical testing. Allele origin: germline.
Comment: For these reasons, this variant has been classified as Pathogenic. This variant has not been reported in the literature in individuals affected with ARSA-related conditions. This variant is not present in population databases (gnomAD no frequency). This sequence change creates a premature translational stop signal (p.Arg21Valfs*7) in the ARSA gene. It is expected to result in an absent or disrupted protein product. Loss-of-function variants in ARSA are known to be pathogenic (PMID: 8962139, 10477432).

Literature cited by the submitters: PubMed 8962139 (cited by Labcorp Genetics (formerly Invitae), Labcorp); PubMed 10477432 (cited by Labcorp Genetics (formerly Invitae), Labcorp).